The following continues an entry in ClinVar:

NM_058216.3(RAD51C):c.431T>C (p.Ile144Thr)

Gene: RAD51C. ClinVar aggregate classification (germline): Conflicting classifications of pathogenicity. Uncertain significance (14); Likely benign (1).

Submissions 9 to 22 of 22:

Color Diagnostics, LLC DBA Color Health
Classification: Uncertain significance for Hereditary cancer-predisposing syndrome. Last evaluated: 2024-05-14. Review status: criteria provided, single submitter. Criteria: ACMG Guidelines, 2015. Collection method: clinical testing. Allele origin: germline.
Comment: This missense variant replaces isoleucine with threonine at codon 144 of the RAD51C protein. Computational prediction suggests that this variant may not impact protein structure and function. To our knowledge, functional studies have not been reported for this variant. This variant has been reported in individuals affected with breast and/or ovarian cancer (PMID: 21537932, 22538716, 23117857, 25470109, 26261251, 26740214), ovarian cancer (PMID: 36099300) and endometrial cancer (PMID: 36293153). In a large breast cancer case-control study, this variant has been identified in 11/60466 cases and 16/53461 controls (PMID: 33471991). This variant has also been identified in four women older than age 70 years with no personal history of cancer (FLOSSIES). This variant has been identified in 16/282878 chromosomes in the general population by the Genome Aggregation Database (gnomAD). The available evidence is insufficient to determine the role of this variant in disease conclusively. Therefore, this variant is classified as a Variant of Uncertain Significance.

Baylor Genetics
Classification: Uncertain significance for Breast-ovarian cancer, familial, susceptibility to, 3. Last evaluated: 2024-03-28. Review status: criteria provided, single submitter. Criteria: ACMG Guidelines, 2015. Collection method: clinical testing. Allele origin: unknown.

KCCC/NGS Laboratory, Kuwait Cancer Control Center
Classification: Uncertain significance for Breast-ovarian cancer, familial, susceptibility to, 3. Last evaluated: 2023-07-05. Review status: criteria provided, single submitter. Criteria: ACMG Guidelines, 2015. Collection method: clinical testing. Allele origin: unknown. Inheritance: Autosomal dominant inheritance. Affected: no. Observed: 1 heterozygote.
Comment: This variant previously detected in same tribe. This sequence change replaces isoleucine with threonine at codon 144 of the RAD51C protein (p.Ile144Thr). The isoleucine residue is highly conserved and there is a moderate physicochemical difference between isoleucine and threonine. This variant is present in population databases (rs28363307, ExAC 0.01%). This variant has been reported in individuals affected with ovarian and/or breast cancer (PMID: 22538716, 23117857, 26740214, 21537932, 25186627), and in a healthy control individual (PMID: 26261251). ClinVar contains an entry for this variant (Variation ID: 142840). In silico analysis supports that this missense variant has a deleterious effect on protein structure/function based on 9 pathogenic predictions from PolyPhen, DANN, EIGEN, FATHMMMKL, LIST-S2, MutationAssessor, MutationTaster, PrimateAI and SIFT vs 4 benign predictions from BayesDel_addAF, DEOGEN2, M-CAP and MVP. UniProt Variants classifies this variant as Benign, citing 3 articles (25394175, 20301753 and 20301575). Therefore, it has been classified as a Variant of Uncertain Significance.

Myriad Genetics, Inc.
Classification: Likely benign for Breast-ovarian cancer, familial, susceptibility to, 3. Last evaluated: 2023-04-05. Review status: criteria provided, single submitter. Criteria: Myriad Autosomal Dominant, Autosomal Recessive and X-Linked Classification Criteria (2023). Collection method: clinical testing. Allele origin: unknown.
Comment: This variant is considered likely benign. This variant is strongly associated with less severe personal and family histories of cancer, typical for individuals without pathogenic variants in this gene [PMID: 25085752].

Institute for Clinical Genetics, University Hospital TU Dresden, University Hospital TU Dresden
Classification: Uncertain significance. Last evaluated: 2021-11-03. Review status: criteria provided, single submitter. Criteria: ACMG Guidelines, 2015. Collection method: clinical testing. Allele origin: germline.

Fulgent Genetics
Classification: Uncertain significance for Fanconi anemia complementation group O; Breast-ovarian cancer, familial, susceptibility to, 3. Last evaluated: 2018-10-31. Review status: criteria provided, single submitter. Criteria: ACMG Guidelines, 2015. Collection method: clinical testing. Allele origin: unknown.

Eurofins Ntd Llc (ga)
Classification: Uncertain significance. Last evaluated: 2018-03-21. Review status: criteria provided, single submitter. Criteria: EGL ClinVar v180209 classification definitions. Collection method: clinical testing. Allele origin: germline. Observed: 1 variant allele, 1 heterozygote.

Reproductive Development, Murdoch Childrens Research Institute
Classification: Uncertain significance for Premature ovarian insufficiency. Last evaluated: 2018-01-10. Review status: no assertion criteria provided. Criteria: ACMG Guidelines, 2015. Collection method: research. Allele origin: germline. Affected: yes. Not counted in ClinVar's aggregate classification.

Counsyl
Classification: Uncertain significance for Fanconi anemia complementation group O. Last evaluated: 2016-07-22. Review status: no assertion criteria provided. Collection method: clinical testing. Allele origin: unknown. Not counted in ClinVar's aggregate classification.

Counsyl
Classification: Uncertain significance for Breast-ovarian cancer, familial, susceptibility to, 3. Last evaluated: 2016-07-22. Review status: no assertion criteria provided. Collection method: clinical testing. Allele origin: unknown. Not counted in ClinVar's aggregate classification.

Leiden Open Variation Database
Classification: Uncertain significance. Last evaluated: 2014-11-02. Review status: no assertion criteria provided. Collection method: curation. Allele origin: germline. Affected: yes. Not counted in ClinVar's aggregate classification.
Comment: Curator: Arleen D. Auerbach. Submitter to LOVD: Christine Rappaport.

Clinical Genetics Laboratory, Department of Pathology, Netherlands Cancer Institute
Classification: Uncertain significance. Review status: no assertion criteria provided. Collection method: clinical testing. Allele origin: germline. Affected: yes. Study: VKGL Data-share Consensus. Not counted in ClinVar's aggregate classification.

Department of Pathology and Laboratory Medicine, Sinai Health System
Classification: Uncertain significance for Carcinoma of colon. Review status: no assertion criteria provided. Collection method: clinical testing. Allele origin: unknown. Affected: yes. Study: The Canadian Open Genetics Repository (COGR). Not counted in ClinVar's aggregate classification.
Comment: The RAD51C p.Ile144Thr variant was identified in 5 of 12902 proband chromosomes (frequency: 0.0004) from Danish, Ashkenazi Jewish, and British, individuals or families with HBOC (with or without breast cancer), or BRCA1/2 negative ovarian cancer and was identified in 1 of 7856 control chromosomes (frequency: 0.0001) from healthy individuals (Jonson 2015, Kushnir 2012, Loveday 2012, Song 2015, Yorczyk 2015). The variant was identified in dbSNP (ID: rs28363307) â€šÃ„ÃºWith Uncertain significance alleleâ€šÃ„Ã¹, ClinVar (classified as uncertain significance by Ambry Genetics, GeneDx, Invitae, Counsyl, and Color Genomics Inc.), Clinvitae (4x), LOVD 3.0 (1x), and was not identified in Cosmic and MutDB databases. The variant was also identified in control databases in 16 of 277234 chromosomes at a frequency of 0.00006 (Genome Aggregation Database Feb 27, 2017). It was observed in the following populations: African in 6 of 24034 chromosomes (freq: 0.0003), and European Non-Finnish in 10 of 126720 chromosomes (freq: 0.00008); it was not observed in the Other, Latino, Ashkenazi Jewish, East Asian, Finnish, and South Asian populations. The p.Ile144 residue is conserved in mammals but not in more distantly related organisms, and four out of five computational analyses (PolyPhen-2, SIFT, AlignGVGD, BLOSUM, MutationTaster) suggest that the Thr variant may impact the protein; however, this information is not predictive enough to assume pathogenicity. The variant occurs outside of the splicing consensus sequence and in silico or computational prediction software programs (SpliceSiteFinder, MaxEntScan, NNSPLICE, GeneSplicer, HumanSpliceFinder) do not predict a difference in splicing. In summary, based on the above information the clinical significance of this variant cannot be determined with certainty at this time. This variant is classified as a variant of uncertain significance.

Joint Genome Diagnostic Labs from Nijmegen and Maastricht, Radboudumc and MUMC+
Classification: Uncertain significance. Review status: no assertion criteria provided. Collection method: clinical testing. Allele origin: germline. Affected: yes. Study: VKGL Data-share Consensus. Not counted in ClinVar's aggregate classification.

Literature cited by the submitters: PubMed 21537932 (cited by 3 submitters); PubMed 22538716 (cited by 6 submitters); PubMed 23117857 (cited by 6 submitters); PubMed 25186627 (cited by 5 submitters); PubMed 26261251 (cited by 5 submitters); PubMed 26740214 (cited by 7 submitters); PubMed 31206626 (cited by Women's Health and Genetics/Laboratory Corporation of America, LabCorp and Quest Diagnostics Nichols Institute San Juan Capistrano); PubMed 35039523 (cited by Women's Health and Genetics/Laboratory Corporation of America, LabCorp and Quest Diagnostics Nichols Institute San Juan Capistrano); PubMed 37253112 (cited by Women's Health and Genetics/Laboratory Corporation of America, LabCorp and Quest Diagnostics Nichols Institute San Juan Capistrano); PubMed 36293153 (cited by 3 submitters); PubMed 36099300 (cited by 3 submitters); PubMed 34326862 (cited by Quest Diagnostics Nichols Institute San Juan Capistrano); PubMed 35534704 (cited by Quest Diagnostics Nichols Institute San Juan Capistrano); PubMed 37306523 (cited by Quest Diagnostics Nichols Institute San Juan Capistrano); PubMed 39643631 (cited by Quest Diagnostics Nichols Institute San Juan Capistrano); PubMed 38511139 (cited by Quest Diagnostics Nichols Institute San Juan Capistrano); PubMed 37450374 (cited by Quest Diagnostics Nichols Institute San Juan Capistrano); PubMed 38060977 (cited by Quest Diagnostics Nichols Institute San Juan Capistrano); PubMed 31570899 (cited by Quest Diagnostics Nichols Institute San Juan Capistrano); PubMed 32832836 (cited by Quest Diagnostics Nichols Institute San Juan Capistrano); PubMed 35884425 (cited by Quest Diagnostics Nichols Institute San Juan Capistrano); PubMed 29522266 (cited by Quest Diagnostics Nichols Institute San Juan Capistrano); PubMed 30924587 (cited by Quest Diagnostics Nichols Institute San Juan Capistrano and Ambry Genetics); PubMed 30309722 (cited by Quest Diagnostics Nichols Institute San Juan Capistrano and Ambry Genetics); PubMed 29641532 (cited by Quest Diagnostics Nichols Institute San Juan Capistrano and Ambry Genetics); PubMed 25470109 (cited by 3 submitters); PubMed 25318351 (cited by 3 submitters); PubMed 33471991 (cited by Quest Diagnostics Nichols Institute San Juan Capistrano and Color Diagnostics, LLC DBA Color Health); PubMed 25085752 (cited by Myriad Genetics, Inc.).